The following is an entry in ClinVar:

NM_133497.4(KCNV2):c.706A>G (p.Met236Val)

Gene: KCNV2 (potassium voltage-gated channel modifier subfamily V member 2; plus strand). Cytogenetic location: 9p24.2.
Variant type: single nucleotide variant.
Coding change: c.706A>G on transcript NM_133497.4 (MANE Select); coding-DNA position 706, A replaced by G.
Protein change: p.Met236Val; replaces methionine 236 with valine.
Molecular consequence: missense variant.
Genome position (GRCh38, 1-based): chr9:2,718,445, A>G. VCF-style: chr9-2718445-A-G. GRCh37 (hg19) VCF-style: chr9-2718445-A-G.
Other names: short protein forms M236V.
Identifiers: ClinVar variation 193489 (VCV000193489.16), dbSNP rs375765488, ClinGen allele CA239011.

ClinVar aggregate classification (germline): Uncertain significance. Review status: criteria provided, multiple submitters, no conflicts (2 of 4 stars). 4 submissions from 4 submitters: Uncertain significance (4). Last evaluated 2024-10-29.

Conditions:
Inborn genetic diseases. Identifiers: MedGen C0950123, MeSH D030342.

Allele frequency attached by ClinVar (database versions not stated): TOPMed 0.00003; gnomAD 0.00005 and 0.00007; ESP Exome Variant Server 0.00008.

Submissions (4):

Ambry Genetics
Classification: Uncertain significance for Inborn genetic diseases. Last evaluated: 2024-10-29. Review status: criteria provided, single submitter. Criteria: Ambry Variant Classification Scheme 2023. Collection method: clinical testing. Allele origin: germline.

Labcorp Genetics (formerly Invitae), Labcorp
Classification: Uncertain significance. Last evaluated: 2023-07-14. Review status: criteria provided, single submitter. Criteria: Invitae Variant Classification Sherloc (09022015). Collection method: clinical testing. Allele origin: germline.
Comment: In summary, the available evidence is currently insufficient to determine the role of this variant in disease. Therefore, it has been classified as a Variant of Uncertain Significance. Advanced modeling of protein sequence and biophysical properties (such as structural, functional, and spatial information, amino acid conservation, physicochemical variation, residue mobility, and thermodynamic stability) performed at Invitae indicates that this missense variant is not expected to disrupt KCNV2 protein function. ClinVar contains an entry for this variant (Variation ID: 193489). This variant has not been reported in the literature in individuals affected with KCNV2-related conditions. This variant is present in population databases (rs375765488, gnomAD 0.02%). This sequence change replaces methionine, which is neutral and non-polar, with valine, which is neutral and non-polar, at codon 236 of the KCNV2 protein (p.Met236Val).

Blueprint Genetics
Classification: Uncertain significance. Last evaluated: 2022-12-01. Review status: criteria provided, single submitter. Criteria: ACMG Guidelines, 2015. Collection method: clinical testing. Allele origin: germline.

Eurofins Ntd Llc (ga)
Classification: Uncertain significance. Last evaluated: 2014-08-20. Review status: criteria provided, single submitter. Criteria: EGL Classification Definitions 2015. Collection method: clinical testing. Allele origin: germline. Observed: 1 variant allele, 1 heterozygote.